The following is an entry in ClinVar:

NM_001289125.3(IFNAR2):c.1473C>T (p.Ser491=)

Genes: IFNAR2 (interferon alpha and beta receptor subunit 2; plus strand), IFNAR2-IL10RB (IFNAR2-IL10RB readthrough; plus strand). Cytogenetic location: 21q22.11.
Variant type: single nucleotide variant.
Coding change: c.1473C>T on transcript NM_001289125.3 (MANE Select); coding-DNA position 1473, C replaced by T.
Protein change: p.Ser491=; no amino-acid change (serine 491 retained).
Molecular consequence: synonymous variant. On other transcripts: 3 prime UTR variant (5), intron variant (2).
Genome position (GRCh38, 1-based): chr21:33,263,425, C>T. VCF-style: chr21-33263425-C-T. GRCh37 (hg19) VCF-style: chr21-34635730-C-T.
Other names: c.*709C>T (NM_000874.5, NM_207584.3); c.*622C>T (NM_001289126.2, NM_001289128.2); c.*848C>T (NM_001385054.1); c.1473C>T, p.Ser491= (NM_207585.3); c.710-4969C>T (NM_001414505.1); c.1318+155C>T (NM_001385055.1).
Identifiers: ClinVar variation 2995472 (VCV002995472.16), dbSNP rs769426806, ClinGen allele CA10005996.

ClinVar aggregate classification (germline): Likely benign. Review status: criteria provided, multiple submitters, no conflicts (2 of 4 stars). 2 submissions from 2 submitters: Likely benign (2). Last evaluated 2025-02-01.

Allele frequency attached by ClinVar (database versions not stated): ExAC 0.00001; gnomAD exomes 0.00001.
gnomAD v4.1: 15 of 1,613,996 alleles (0.00093%); highest among the groups gnomAD compares: African/African-American, 0.0013%; no homozygotes.

Submissions (2):

CeGaT Center for Human Genetics Tuebingen
Classification: Likely benign. Last evaluated: 2025-02-01. Review status: criteria provided, single submitter. Criteria: CeGaT Center For Human Genetics Tuebingen Variant Classification Criteria Version 2. Collection method: clinical testing. Allele origin: germline. Affected: yes. Observed: 1 variant allele.
Comment: IFNAR2: BP4, BP7

Labcorp Genetics (formerly Invitae), Labcorp
Classification: Likely benign. Last evaluated: 2022-11-23. Review status: criteria provided, single submitter. Criteria: Invitae Variant Classification Sherloc (09022015). Collection method: clinical testing. Allele origin: germline.